The following is an entry in ClinVar:

NM_007055.4(POLR3A):c.621G>A (p.Val207=)

Gene: POLR3A (RNA polymerase III subunit A; minus strand). Cytogenetic location: 10q22.3.
Variant type: single nucleotide variant.
Coding change: c.621G>A on transcript NM_007055.4 (MANE Select); coding-DNA position 621, G replaced by A.
Protein change: p.Val207=; no amino-acid change (valine 207 retained).
Molecular consequence: synonymous variant.
Genome position (GRCh38, 1-based): chr10:78,024,573, C>T on the plus strand (G>A on the coding strand, the complement: POLR3A is on the minus strand). VCF-style: chr10-78024573-C-T. GRCh37 (hg19) VCF-style: chr10-79784331-C-T.
Identifiers: ClinVar variation 301080 (VCV000301080.18), dbSNP rs149192341, ClinGen allele CA5571654.
Genomic context (GRCh38, chr10:78,024,573, plus strand): 5'-GGCAGGCGGAAGGCAGGCGTGCATTCTCAGGCTCACCTGTGCCCTTCCCAGCAGAGGCTC[C>T]ACTTCTTTATTATGTTCAATGGCTGTTTCAAAAGACTGAAGGAAATTTGATACAATGGGA-3'
Protein context (NP_008986.2, residues 197-217): FETAIEHNKE[Val207=]EPLLGRAQEN

ClinVar aggregate classification (germline): Benign. Review status: criteria provided, multiple submitters, no conflicts (2 of 4 stars). 4 submissions from 4 submitters: Benign (4). Last evaluated 2026-02-02.

Conditions:
Leukodystrophy, hypomyelinating, 7, with or without oligodontia and/or hypogonadotropic hypogonadism (HLD7). Also called: LEUKOENCEPHALOPATHY, HYPOMYELINATING, WITH ATAXIA AND DELAYED DENTITION; ATAXIA, DELAYED DENTITION, AND HYPOMYELINATION; LEUKODYSTROPHY, HYPOMYELINATING, 7, WITH OLIGODONTIA; LEUKODYSTROPHY, HYPOMYELINATING, 7, WITH OLIGODONTIA AND HYPOGONADOTROPIC HYPOGONADISM; LEUKODYSTROPHY, HYPOMYELINATING, 7, WITHOUT OLIGODONTIA OR HYPOGONADOTROPIC HYPOGONADISM; Ataxia, Delayed Dentition and Hypomyelination (ADDH). Identifiers: Orphanet 137639, Orphanet 447893, Orphanet 447896, Orphanet 77295, Orphanet 88637, MedGen CN034185, MONDO:0011897, OMIM 607694.

Allele frequency attached by ClinVar (database versions not stated): ESP Exome Variant Server 0.00015; gnomAD exomes 0.00174 and 0.00800; gnomAD 0.00223 and 0.00233; TOPMed 0.00437; 1000 Genomes Project 0.00519; 1000 Genomes Project 30x 0.00531; ExAC 0.00601.
gnomAD v4.1: 2,866 of 1,613,780 alleles (0.18%); highest among the groups gnomAD compares: Admixed American, 4.6%; 80 homozygotes.

Submissions (4):

Labcorp Genetics (formerly Invitae), Labcorp
Classification: Benign. Last evaluated: 2026-02-02. Review status: criteria provided, single submitter. Criteria: Invitae Variant Classification Sherloc (09022015). Collection method: clinical testing. Allele origin: germline.

GeneDx
Classification: Benign. Last evaluated: 2021-05-06. Review status: criteria provided, single submitter. Criteria: GeneDx Variant Classification Process June 2021. Collection method: clinical testing. Allele origin: germline. Affected: yes.

Illumina Laboratory Services, Illumina
Classification: Benign for Leukodystrophy, hypomyelinating, 7, with or without oligodontia and/or hypogonadotropic hypogonadism. Last evaluated: 2018-01-12. Review status: criteria provided, single submitter. Criteria: ICSL Variant Classification Criteria 13 December 2019. Collection method: clinical testing. Allele origin: germline.
Comment: This variant was observed in the ICSL laboratory as part of a predisposition screen in an ostensibly healthy population. It had not been previously curated by ICSL or reported in the Human Gene Mutation Database (HGMD: prior to June 1st, 2018), and was therefore a candidate for classification through an automated scoring system. Utilizing variant allele frequency, disease prevalence and penetrance estimates, and inheritance mode, an automated score was calculated to assess if this variant is too frequent to cause the disease. Based on the score and internal cut-off values, a variant classified as benign is not then subjected to further curation. The score for this variant resulted in a classification of benign for this disease.

Breakthrough Genomics
Classification: Benign. Review status: criteria provided, single submitter. Criteria: ACMG Guidelines, 2015. Collection method: not provided. Allele origin: germline. Inheritance: Autosomal recessive inheritance. Affected: yes.